The following is an entry in ClinVar:

NM_000375.3(UROS):c.63+8G>A

Gene: UROS (uroporphyrinogen III synthase; minus strand). Cytogenetic location: 10q26.2.
Variant type: single nucleotide variant.
Coding change: c.63+8G>A on transcript NM_000375.3 (MANE Select); 8 bases into the intron after coding-DNA position 63, G replaced by A.
Molecular consequence: intron variant.
Genome position (GRCh38, 1-based): chr10:125,816,429, C>T on the plus strand (G>A on the coding strand, the complement: UROS is on the minus strand). VCF-style: chr10-125816429-C-T. GRCh37 (hg19) VCF-style: chr10-127504998-C-T.
Other names: p.?; c.63+8G>A (NM_001324038.2, NM_001324037.2, NM_001324036.2 and 1 more transcripts).
Identifiers: ClinVar variation 713813 (VCV000713813.39), dbSNP rs17153575, ClinGen allele CA5738592.
Genomic context (GRCh38, chr10:125,816,429, plus strand): 5'-CTGCCTGCTCCAGGCCCCTTGACTCAGTAGAAAGGACACTGTGGGATAAGGAGTCTCAGG[C>T]CACTTACCCTGATATACGGATCCTGGCCACAGTCATCTTCCTTCGCATCCTTCAGTAAAA-3'

ClinVar aggregate classification (germline): Conflicting classifications of pathogenicity. Review status: criteria provided, conflicting classifications (1 of 4 stars). 4 submissions from 4 submitters: Uncertain significance (1); Benign (1); Likely benign (2). Last evaluated 2026-07-01.

Conditions:
Congenital erythropoietic porphyria. Also called: Porphyria, Erythropoietic; Congenital porphyria; Günther disease; Uroporphyrinogen III synthase, deficiency of; UROPORPHYRINOGEN III SYNTHASE DEFICIENCY; GUNTHER DISEASE. Identifiers: Orphanet 79277, MedGen C5886774, MONDO:0009902, OMIM 263700.

Allele frequency attached by ClinVar (database versions not stated): TOPMed 0.00353; gnomAD exomes 0.00380 and 0.00586; gnomAD 0.00410 and 0.00404; 1000 Genomes Project 0.00140; 1000 Genomes Project 30x 0.00141; ExAC 0.00386; ESP Exome Variant Server 0.00438.
gnomAD v4.1: 9,124 of 1,614,096 alleles (0.57%); highest among the groups gnomAD compares: Non-Finnish European, 0.7%; 32 homozygotes.

Submissions (4):

CeGaT Center for Human Genetics Tuebingen
Classification: Likely benign. Last evaluated: 2026-07-01. Review status: criteria provided, single submitter. Criteria: CeGaT Center For Human Genetics Tuebingen Variant Classification Criteria Version 2. Collection method: clinical testing. Allele origin: germline. Affected: yes. Observed: 2 variant alleles.
Comment: UROS: BP4, BS2

Labcorp Genetics (formerly Invitae), Labcorp
Classification: Benign. Last evaluated: 2026-01-26. Review status: criteria provided, single submitter. Criteria: Invitae Variant Classification Sherloc (09022015). Collection method: clinical testing. Allele origin: germline.

Mayo Clinic Laboratories, Mayo Clinic
Classification: Likely benign. Last evaluated: 2025-07-30. Review status: criteria provided, single submitter. Criteria: ACMG Guidelines, 2015. Collection method: clinical testing. Allele origin: germline. Observed: 9 variant alleles.
Comment: BA1, BP4, BP7

Illumina Laboratory Services, Illumina
Classification: Uncertain significance for Congenital erythropoietic porphyria. Last evaluated: 2017-04-27. Review status: criteria provided, single submitter. Criteria: ICSL Variant Classification Criteria 13 December 2019. Collection method: clinical testing. Allele origin: germline.
Comment: This variant was observed as part of a predisposition screen in an ostensibly healthy population. A literature search was performed for the gene, cDNA change, and amino acid change (where applicable). Publications were found based on this search. However, the evidence from the literature, in combination with allele frequency data from public databases where available, was not sufficient to rule this variant in or out of causing disease. Therefore, this variant is classified as a variant of unknown significance.

Literature cited by the submitters: PubMed 21631301 (cited by Illumina Laboratory Services, Illumina).